The following is an entry in ClinVar:

NM_000540.3(RYR1):c.6310C>T (p.Arg2104Cys)

Gene: RYR1 (ryanodine receptor 1; plus strand). Cytogenetic location: 19q13.2.
Variant type: single nucleotide variant.
Coding change: c.6310C>T on transcript NM_000540.3 (MANE Select); coding-DNA position 6310, C replaced by T.
Protein change: p.Arg2104Cys; replaces arginine 2104 with cysteine.
Molecular consequence: missense variant.
Genome position (GRCh38, 1-based): chr19:38,494,387, C>T. VCF-style: chr19-38494387-C-T. GRCh37 (hg19) VCF-style: chr19-38985027-C-T.
Other names: c.6310C>T, p.Arg2104Cys (NM_001042723.2); short protein forms R2104C.
Identifiers: ClinVar variation 544440 (VCV000544440.10), dbSNP rs541757529, ClinGen allele CA308102145.

ClinVar aggregate classification (germline): Uncertain significance. Review status: criteria provided, multiple submitters, no conflicts (2 of 4 stars). 2 submissions from 2 submitters: Uncertain significance (2). Last evaluated 2023-10-13.

Conditions:
Malignant hyperthermia, susceptibility to, 1 (MHS1). Also called: RYR1-Related Malignant Hyperthermia Susceptibility; Anesthesia related hyperthermia; Malignant hyperpyrexia; Fulminating hyperpyrexia; Pharmacogenic myopathy; Malignant hyperthermia suceptibility 1. Identifiers: Orphanet 423, MedGen C2930980, MONDO:0007783, OMIM 145600.
RYR1-related disorder. Also called: RYR1-related condition; RYR1-related disorders. Identifiers: MedGen CN239331.

Allele frequency attached by ClinVar (database versions not stated): gnomAD exomes below 0.00001 and 0.00001; gnomAD 0.00001; 1000 Genomes Project 30x 0.00016; 1000 Genomes Project 0.00020.
gnomAD v4.1: 7 of 1,611,754 alleles (0.00043%); highest among the groups gnomAD compares: South Asian, 0.0011%; no homozygotes.

Submissions (2):

Color Diagnostics, LLC DBA Color Health
Classification: Uncertain significance for Malignant hyperthermia, susceptibility to, 1. Last evaluated: 2023-10-13. Review status: criteria provided, single submitter. Criteria: ACMG Guidelines, 2015. Collection method: clinical testing. Allele origin: germline.
Comment: This missense variant replaces arginine with cysteine at codon 2104 of the RYR1 protein. Computational prediction is inconclusive regarding the impact of this variant on protein structure and function. To our knowledge, functional studies have not been reported for this variant. This variant has not been reported in individuals affected with RYR1-related disorders in the literature. This variant has been identified in 3/248012 chromosomes in the general population by the Genome Aggregation Database (gnomAD). The available evidence is insufficient to determine the role of this variant in disease conclusively. Therefore, this variant is classified as a Variant of Uncertain Significance.

Labcorp Genetics (formerly Invitae), Labcorp
Classification: Uncertain significance for RYR1-related disorder. Last evaluated: 2022-06-03. Review status: criteria provided, single submitter. Criteria: Invitae Variant Classification Sherloc (09022015). Collection method: clinical testing. Allele origin: germline.
Comment: This sequence change replaces arginine, which is basic and polar, with cysteine, which is neutral and slightly polar, at codon 2104 of the RYR1 protein (p.Arg2104Cys). This variant is present in population databases (rs541757529, gnomAD 0.01%). This variant has not been reported in the literature in individuals affected with RYR1-related conditions. ClinVar contains an entry for this variant (Variation ID: 544440). Algorithms developed to predict the effect of missense changes on protein structure and function are either unavailable or do not agree on the potential impact of this missense change (SIFT: "Deleterious"; PolyPhen-2: "Benign"; Align-GVGD: "Class C0"). In summary, the available evidence is currently insufficient to determine the role of this variant in disease. Therefore, it has been classified as a Variant of Uncertain Significance.